The following is an entry in ClinVar:

ClinVar aggregate classification (somatic clinical impact): Tier II - Potential (1 of 4 stars; one submission).

Conditions:
Medulloblastoma non-WNT/non-SHH group 3. Identifiers: MedGen C4330665, MONDO:0956966.

Submission:

Institute for Genomic Medicine (IGM) Clinical Laboratory, Nationwide Children's Hospital
Classification: Tier II - Potential for Medulloblastoma non-WNT/non-SHH group 3. Assertion type: diagnostic. Clinical significance: supports diagnosis. Last evaluated: 2023-12-28. Review status: criteria provided, single submitter. Criteria: AMP/ASCO/CAP Guidelines, 2017. Collection method: clinical testing. Allele origin: somatic. Affected: yes.
Comment: Variant has Tier II (potential) clinical significance as a diagnostic inclusion criterion in medulloblastoma non-WNT/non-SHH group 3, based on the following evidence: 1) Documented in one or more cancer databases (e.g., St. Jude Pecan, COSMIC, CIViC, OncoKB). 2) Diagnostic significance based on multiple small studies (Evidence Level C; PMIDs: 28726821, 21163964, 22832583, 22722829, 22820256).

Literature cited by the submitters: PubMed 28726821; PubMed 21163964; PubMed 22832583; PubMed 22722829; PubMed 22820256.

NM_002467.6(MYC):c.221C>T (p.Pro74Leu)

Gene: MYC (MYC proto-oncogene, bHLH transcription factor; plus strand). Cytogenetic location: 8q24.21.
Variant type: single nucleotide variant.
Coding change: c.221C>T on transcript NM_002467.6 (MANE Select); coding-DNA position 221, C replaced by T.
Protein change: p.Pro74Leu; replaces proline 74 with leucine.
Molecular consequence: missense variant.
Genome position (GRCh38, 1-based): chr8:127,738,438, C>T. VCF-style: chr8-127738438-C-T. GRCh37 (hg19) VCF-style: chr8-128750684-C-T.
Other names: c.218C>T, p.Pro73Leu (NM_001354870.1); short protein forms P73L, P74L.
Identifiers: ClinVar variation 4530453 (VCV004530453.1).